The following is an entry in ClinVar:

NM_020297.4(ABCC9):c.2982del (p.Ile995fs)

Gene: ABCC9 (ATP binding cassette subfamily C member 9; minus strand). Cytogenetic location: 12p12.1.
Variant type: Deletion.
Coding change: c.2982del on transcript NM_020297.4 (MANE Select); coding-DNA position 2982, one base deleted (C; older notation c.2982delC).
Protein change: p.Ile995fs; shifts the reading frame from isoleucine 995.
Molecular consequence: frameshift variant.
Genome position (GRCh38, 1-based): chr12:21,845,717, G deleted on the plus strand (C on the coding strand, the reverse complement: ABCC9 is on the minus strand). VCF-style (leftmost placement, unchanged base first): chr12-21845716-TG-T. GRCh37 (hg19) VCF-style: chr12-21998650-TG-T.
Other names: c.2982del, p.Ile995fs (NM_001377273.1, NM_005691.4); c.2115del, p.Ile706fs (NM_001377274.1); short protein forms I706fs, I995fs.
Identifiers: ClinVar variation 3671535 (VCV003671535.2).

ClinVar aggregate classification (germline): Pathogenic (1 of 4 stars; one submission).

Conditions:
Dilated cardiomyopathy 1O (CMD1O). Also called: CARDIOMYOPATHY, DILATED, WITH VENTRICULAR TACHYCARDIA. Identifiers: Orphanet 154, MedGen C1837839, MONDO:0012062, OMIM 608569.

Submission:

Labcorp Genetics (formerly Invitae), Labcorp
Classification: Pathogenic for Dilated cardiomyopathy 1O. Last evaluated: 2024-03-11. Review status: criteria provided, single submitter. Criteria: Invitae Variant Classification Sherloc (09022015). Collection method: clinical testing. Allele origin: germline.
Comment: This sequence change creates a premature translational stop signal (p.Ile995Serfs*2) in the ABCC9 gene. It is expected to result in an absent or disrupted protein product. Loss-of-function variants in ABCC9 are known to be pathogenic (PMID: 31575858). This variant is not present in population databases (gnomAD no frequency). This variant has not been reported in the literature in individuals affected with ABCC9-related conditions. For these reasons, this variant has been classified as Pathogenic.

Literature cited by the submitters: PubMed 31575858.